The following is an entry in ClinVar:

NM_001164508.2(NEB):c.6568G>A (p.Glu2190Lys)

Gene: NEB (nebulin; minus strand). Cytogenetic location: 2q23.3.
Variant type: single nucleotide variant.
Coding change: c.6568G>A on transcript NM_001164508.2 (MANE Select); coding-DNA position 6568, G replaced by A.
Protein change: p.Glu2190Lys; replaces glutamic acid 2190 with lysine.
Molecular consequence: missense variant.
Genome position (GRCh38, 1-based): chr2:151,655,951, C>T on the plus strand (G>A on the coding strand, the complement: NEB is on the minus strand). VCF-style: chr2-151655951-C-T. GRCh37 (hg19) VCF-style: chr2-152512465-C-T.
Other names: c.6568G>A, p.Glu2190Lys (NM_001164507.2, NM_001271208.2, NM_004543.5); short protein forms E2190K.
Identifiers: ClinVar variation 1026893 (VCV001026893.6), dbSNP rs2099082027, ClinGen allele CA348797480.

ClinVar aggregate classification (germline): Uncertain significance (1 of 4 stars; one submission).

Conditions:
Nemaline myopathy 2 (NEM2). Also called: Nemaline myopathy 2, autosomal recessive. Identifiers: MedGen C1850569, MONDO:0009725, OMIM 256030.

Submission:

Labcorp Genetics (formerly Invitae), Labcorp
Classification: Uncertain significance for Nemaline myopathy 2. Last evaluated: 2022-06-20. Review status: criteria provided, single submitter. Criteria: Invitae Variant Classification Sherloc (09022015). Collection method: clinical testing. Allele origin: germline.
Comment: This sequence change replaces glutamic acid, which is acidic and polar, with lysine, which is basic and polar, at codon 2190 of the NEB protein (p.Glu2190Lys). This variant is not present in population databases (gnomAD no frequency). This variant has not been reported in the literature in individuals affected with NEB-related conditions. ClinVar contains an entry for this variant (Variation ID: 1026893). Algorithms developed to predict the effect of missense changes on protein structure and function are either unavailable or do not agree on the potential impact of this missense change (SIFT: "Deleterious"; PolyPhen-2: "Not Available"; Align-GVGD: "Class C0"). In summary, the available evidence is currently insufficient to determine the role of this variant in disease. Therefore, it has been classified as a Variant of Uncertain Significance.